The following is an entry in ClinVar:

ClinVar aggregate classification (germline): Uncertain significance. Review status: criteria provided, multiple submitters, no conflicts (2 of 4 stars). 2 submissions from 2 submitters: Uncertain significance (2). Last evaluated 2025-10-03.

Conditions:
Hypokalemic periodic paralysis, type 1. Also called: HypoPP; Hypokalemic Periodic Paralysis Type 1 (AD). Identifiers: Orphanet 681, MedGen C3714580, MONDO:0042979, OMIM 170400.
Malignant hyperthermia, susceptibility to, 5 (MHS5). Also called: CACNA1S-Related Malignant Hyperthermia Susceptibility. Identifiers: Orphanet 423, MedGen C1866077, MONDO:0011163, OMIM 601887.

Submissions (2):

Dasa
Classification: Uncertain significance for Hypokalemic periodic paralysis, type 1. Last evaluated: 2025-10-03. Review status: criteria provided, single submitter. Criteria: DASA Assertion Criteria. Collection method: clinical testing. Allele origin: germline.
Comment: NM_000069.3(CACNA1S):c.2519C>T (p.Thr840Ile) is a missense variant that results in the substitution of threonine with isoleucine. This variant is absent from population databases. Computational prediction algorithms are consistent with a deleterious effect. The currently available literature and clinical evidence are not sufficient to establish a definitive association between this variant and the reported condition. Therefore, this variant is classified as a variant of uncertain significance.

Labcorp Genetics (formerly Invitae), Labcorp
Classification: Uncertain significance for Hypokalemic periodic paralysis, type 1; Malignant hyperthermia, susceptibility to, 5. Last evaluated: 2021-11-07. Review status: criteria provided, single submitter. Criteria: Invitae Variant Classification Sherloc (09022015). Collection method: clinical testing. Allele origin: germline.
Comment: This sequence change replaces threonine, which is neutral and polar, with isoleucine, which is neutral and non-polar, at codon 840 of the CACNA1S protein (p.Thr840Ile). This variant is not present in population databases (gnomAD no frequency). This variant has not been reported in the literature in individuals affected with CACNA1S-related conditions. Algorithms developed to predict the effect of missense changes on protein structure and function are either unavailable or do not agree on the potential impact of this missense change (SIFT: "Deleterious"; PolyPhen-2: "Possibly Damaging"; Align-GVGD: "Class C0"). In summary, the available evidence is currently insufficient to determine the role of this variant in disease. Therefore, it has been classified as a Variant of Uncertain Significance.

NM_000069.3(CACNA1S):c.2519C>T (p.Thr840Ile)

Gene: CACNA1S (calcium voltage-gated channel subunit alpha1 S; minus strand). Cytogenetic location: 1q32.1.
Variant type: single nucleotide variant.
Coding change: c.2519C>T on transcript NM_000069.3 (MANE Select); coding-DNA position 2519, C replaced by T.
Protein change: p.Thr840Ile; replaces threonine 840 with isoleucine.
Molecular consequence: missense variant.
Genome position (GRCh38, 1-based): chr1:201,069,168, G>A on the plus strand (C>T on the coding strand, the complement: CACNA1S is on the minus strand). VCF-style: chr1-201069168-G-A. GRCh37 (hg19) VCF-style: chr1-201038296-G-A.
Other names: short protein forms T840I.
Identifiers: ClinVar variation 1391943 (VCV001391943.8), dbSNP rs2102130615, ClinGen allele CA344105860.